The following is an entry in ClinVar:

NM_006767.4(LZTR1):c.2484C>G (p.Ile828Met)

Gene: LZTR1 (leucine zipper like post translational regulator 1; plus strand). Cytogenetic location: 22q11.21.
Variant type: single nucleotide variant.
Coding change: c.2484C>G on transcript NM_006767.4 (MANE Select); coding-DNA position 2484, C replaced by G.
Protein change: p.Ile828Met; replaces isoleucine 828 with methionine.
Molecular consequence: missense variant.
Genome position (GRCh38, 1-based): chr22:20,997,309, C>G. VCF-style: chr22-20997309-C-G. GRCh37 (hg19) VCF-style: chr22-21351598-C-G.
Other names: short protein forms I828M.
Identifiers: ClinVar variation 1387256 (VCV001387256.8), dbSNP rs1924901816, ClinGen allele CA410781829.

ClinVar aggregate classification (germline): Uncertain significance (1 of 4 stars; one submission).

Submission:

Labcorp Genetics (formerly Invitae), Labcorp
Classification: Uncertain significance. Last evaluated: 2021-04-12. Review status: criteria provided, single submitter. Criteria: Invitae Variant Classification Sherloc (09022015). Collection method: clinical testing. Allele origin: germline.
Comment: In summary, the available evidence is currently insufficient to determine the role of this variant in disease. Therefore, it has been classified as a Variant of Uncertain Significance. Algorithms developed to predict the effect of missense changes on protein structure and function (SIFT, PolyPhen-2, Align-GVGD) all suggest that this variant is likely to be tolerated, but these predictions have not been confirmed by published functional studies and their clinical significance is uncertain. This variant has not been reported in the literature in individuals with LZTR1-related conditions. This variant is not present in population databases (ExAC no frequency). This sequence change replaces isoleucine with methionine at codon 828 of the LZTR1 protein (p.Ile828Met). The isoleucine residue is highly conserved and there is a small physicochemical difference between isoleucine and methionine.